The following is an entry in ClinVar:

ClinVar aggregate classification (germline): Likely pathogenic (1 of 4 stars; one submission).

Conditions:
3M syndrome 3. Also called: 3-M Syndrome, CCDC8-Related; THREE M SYNDROME 3. Identifiers: Orphanet 2616, MedGen C3280146, MONDO:0013627, OMIM 614205.

Submission:

3billion
Classification: Likely pathogenic for 3M syndrome 3. Last evaluated: 2024-09-28. Review status: criteria provided, single submitter. Criteria: ACMG Guidelines, 2015. Collection method: clinical testing. Allele origin: germline. Affected: yes.
Comment: The variant is not observed in the gnomAD v4.1.0 dataset. Predicted Consequence/Location: Frameshift: predicted to result in a loss or disruption of normal protein function through protein truncation. The predicted truncated protein may be shortened by more than 10%. Therefore, this variant is classified as Likely pathogenic according to the recommendation of ACMG/AMP guideline.

NM_032040.5(CCDC8):c.83_86dup (p.Lys29delinsAsnTer)

Gene: CCDC8 (coiled-coil domain containing 8 subunit of 3M complex; minus strand). Cytogenetic location: 19q13.32.
Variant type: Duplication.
Coding change: c.83_86dup on transcript NM_032040.5 (MANE Select); coding-DNA positions 83 to 86, 4 bases duplicated (CTAA; older notation c.83_86dupCTAA).
Protein change: p.Lys29delinsAsnTer.
Molecular consequence: nonsense.
Genome position (GRCh38, 1-based): chr19:46,412,725-46,412,728, TTAG duplicated on the plus strand (CTAA on the coding strand, the reverse complement: CCDC8 is on the minus strand). VCF-style (leftmost placement, unchanged base first): chr19-46412724-C-CTTAG. GRCh37 (hg19) VCF-style: chr19-46915981-C-CTTAG.
Identifiers: ClinVar variation 4293702 (VCV004293702.1).